The following is an entry in ClinVar:

ClinVar aggregate classification (germline): Uncertain significance (1 of 4 stars; one submission).

Conditions:
Citrullinemia. Identifiers: Orphanet 187, MedGen C0175683, MONDO:0015991.

Allele frequency attached by ClinVar (database versions not stated): ExAC 0.00001; gnomAD 0.00001; gnomAD exomes 0.00001.
gnomAD v4.1: 8 of 1,613,908 alleles (0.0005%); highest among the groups gnomAD compares: Non-Finnish European, 0.00068%; no homozygotes.

Submission:

Labcorp Genetics (formerly Invitae), Labcorp
Classification: Uncertain significance for Citrullinemia. Last evaluated: 2022-06-29. Review status: criteria provided, single submitter. Criteria: Invitae Variant Classification Sherloc (09022015). Collection method: clinical testing. Allele origin: germline.
Comment: This sequence change replaces glutamic acid, which is acidic and polar, with lysine, which is basic and polar, at codon 226 of the ASS1 protein (p.Glu226Lys). This variant is present in population databases (rs761813681, gnomAD 0.002%). This variant has not been reported in the literature in individuals affected with ASS1-related conditions. Algorithms developed to predict the effect of missense changes on protein structure and function are either unavailable or do not agree on the potential impact of this missense change (SIFT: "Deleterious"; PolyPhen-2: "Benign"; Align-GVGD: "Class C0"). In summary, the available evidence is currently insufficient to determine the role of this variant in disease. Therefore, it has been classified as a Variant of Uncertain Significance.

NM_054012.4(ASS1):c.676G>A (p.Glu226Lys)

Gene: ASS1 (argininosuccinate synthase 1; plus strand). Cytogenetic location: 9q34.11.
Variant type: single nucleotide variant.
Coding change: c.676G>A on transcript NM_054012.4 (MANE Select); coding-DNA position 676, G replaced by A.
Protein change: p.Glu226Lys; replaces glutamic acid 226 with lysine.
Molecular consequence: missense variant.
Genome position (GRCh38, 1-based): chr9:130,476,949, G>A. VCF-style: chr9-130476949-G-A. GRCh37 (hg19) VCF-style: chr9-133352336-G-A.
Other names: c.676G>A, p.Glu226Lys (NM_000050.4); short protein forms E226K.
Identifiers: ClinVar variation 1945132 (VCV001945132.2), dbSNP rs761813681, ClinGen allele CA5283412.
Genomic context (GRCh38, chr9:130,476,949, plus strand): 5'-CTCTACACGAAGACCCAGGACCCAGCCAAAGCCCCCAACACCCCTGACATTCTCGAGATC[G>A]AGTTCAAAAAAGGTATGTGCCCACCTGTTGGGACTCGAAGGGGGTTGACTTTTGGGGCCC-3'
Protein context (NP_446464.1, residues 216-236): APNTPDILEI[Glu226Lys]FKKGVPVKVT